The following is an entry in ClinVar:

ClinVar aggregate classification (germline): Pathogenic (1 of 4 stars; one submission).

Conditions:
Hermansky-Pudlak syndrome 3 (HPS3). Identifiers: Orphanet 231512, Orphanet 79430, MedGen C3888001, MONDO:0013555, OMIM 614072.

Submission:

Myriad Genetics, Inc.
Classification: Pathogenic for Hermansky-Pudlak syndrome 3. Last evaluated: 2024-05-14. Review status: criteria provided, single submitter. Criteria: Myriad Autosomal Dominant, Autosomal Recessive and X-Linked Classification Criteria (2023). Collection method: clinical testing. Allele origin: unknown.
Comment: NM_032383.3(HPS3):c.1336_1339del4ins8(I446Cfs*6) is expected to be pathogenic in the context of Hermansky-Pudlak syndrome, HPS3-related. This variant is predicted to lead to an abnormal or absent protein product due to the creation of a premature termination codon in HPS3, a gene where loss-of-function variants are known to be pathogenic. Please note: this variant was assessed in the context of healthy population screening.

NM_032383.5(HPS3):c.1336_1339delinsTGTGATCG (p.Ile446fs)

Gene: HPS3 (HPS3 biogenesis of lysosomal organelles complex 2 subunit 1; plus strand). Cytogenetic location: 3q24.
Variant type: Indel.
Coding change: c.1336_1339delinsTGTGATCG on transcript NM_032383.5 (MANE Select); coding-DNA positions 1336 to 1339, ATAC replaced by TGTGATCG.
Protein change: p.Ile446fs; shifts the reading frame from isoleucine 446.
Molecular consequence: frameshift variant.
Genome position (GRCh38, 1-based): chr3:149,153,584-149,153,587, ATAC replaced by TGTGATCG. VCF-style: chr3-149153584-ATAC-TGTGATCG. GRCh37 (hg19) VCF-style: chr3-148871371-ATAC-TGTGATCG.
Other names: c.841_844delinsTGTGATCG, p.Ile281fs (NM_001308258.2); short protein forms I281fs, I446fs.
Identifiers: ClinVar variation 5010388 (VCV005010388.1).
Genomic context (GRCh38, chr3:149,153,584, plus strand): 5'-GCTTTAAGAATACAGCTTTTCATAGGCTTGAAAGCCATCTGTCACTTTAAAAACCACATC[ATAC>TGTGATCG]TTTTGACTAAAGCAGAACCTGAAGCCATTCCAGAGAGAAGACAGTCACCCAAGAGGCTTC-3'